The following is an entry in ClinVar:

NM_000334.4(SCN4A):c.867C>T (p.Asp289=)

Gene: SCN4A (sodium voltage-gated channel alpha subunit 4; minus strand). Cytogenetic location: 17q23.3.
Variant type: single nucleotide variant.
Coding change: c.867C>T on transcript NM_000334.4 (MANE Select); coding-DNA position 867, C replaced by T.
Protein change: p.Asp289=; no amino-acid change (aspartic acid 289 retained).
Molecular consequence: synonymous variant.
Genome position (GRCh38, 1-based): chr17:63,968,192, G>A on the plus strand (C>T on the coding strand, the complement: SCN4A is on the minus strand). VCF-style: chr17-63968192-G-A. GRCh37 (hg19) VCF-style: chr17-62045552-G-A.
Identifiers: ClinVar variation 3029424 (VCV003029424.2), dbSNP rs2509320540, ClinGen allele CA501348873.
Genomic context (GRCh38, chr17:63,968,192, plus strand): 5'-ATTGCCATACCATGTGTCATTGCCGTACCACGTGTCATTGCTGTACCACGTGGTGTTGGT[G>A]TCGTTGAACGGCGGGGGCCAGCGCACACACTTCTGCCTCAGGTTTCCCATGAAGAGCTGC-3'
Protein context (NP_000325.4, residues 279-299): KCVRWPPPFN[Asp289=]TNTTWYSNDT

ClinVar aggregate classification (germline): Likely benign (0 of 4 stars; one submission).

Conditions:
SCN4A-related disorder. Also called: SCN4A-related disorders.

Allele frequency attached by ClinVar (database versions not stated): gnomAD exomes below 0.00001.
gnomAD v4.1: 2 of 1,614,034 alleles (0.00012%); highest among the groups gnomAD compares: Non-Finnish European, 0.00017%; no homozygotes.

Submission:

PreventionGenetics, part of Exact Sciences
Classification: Likely benign for SCN4A-related condition. Last evaluated: 2021-06-15. Review status: no assertion criteria provided. Collection method: clinical testing. Allele origin: germline.
Comment: This variant is classified as likely benign based on ACMG/AMP sequence variant interpretation guidelines (Richards et al. 2015 PMID: 25741868, with internal and published modifications).